The following is an entry in ClinVar:

ClinVar aggregate classification (germline): Uncertain significance (1 of 4 stars; one submission).

Conditions:
Autosomal dominant hypocalcemia 1 (HYPOC1). Also called: HYPOCALCEMIA, FAMILIAL. Identifiers: MedGen C3715128, MONDO:0011013, OMIM 601198.
Familial hypocalciuric hypercalcemia (FHH). Also called: Familial benign hypercalcemia. Identifiers: Orphanet 405, MedGen C1809471, MONDO:0018458.

Submission:

Labcorp Genetics (formerly Invitae), Labcorp
Classification: Uncertain significance for Familial hypocalciuric hypercalcemia; Autosomal dominant hypocalcemia 1. Last evaluated: 2023-10-19. Review status: criteria provided, single submitter. Criteria: Invitae Variant Classification Sherloc (09022015). Collection method: clinical testing. Allele origin: germline.
Comment: This sequence change replaces valine, which is neutral and non-polar, with alanine, which is neutral and non-polar, at codon 370 of the CASR protein (p.Val370Ala). This variant is not present in population databases (gnomAD no frequency). This variant has not been reported in the literature in individuals affected with CASR-related conditions. An algorithm developed to predict the effect of missense changes on protein structure and function (PolyPhen-2) suggests that this variant is likely to be tolerated. In summary, the available evidence is currently insufficient to determine the role of this variant in disease. Therefore, it has been classified as a Variant of Uncertain Significance.

NM_000388.4(CASR):c.1109T>C (p.Val370Ala)

Gene: CASR (calcium sensing receptor; plus strand). Cytogenetic location: 3q21.1.
Variant type: single nucleotide variant.
Coding change: c.1109T>C on transcript NM_000388.4 (MANE Select); coding-DNA position 1109, T replaced by C.
Protein change: p.Val370Ala; replaces valine 370 with alanine.
Molecular consequence: missense variant.
Genome position (GRCh38, 1-based): chr3:122,262,144, T>C. VCF-style: chr3-122262144-T-C. GRCh37 (hg19) VCF-style: chr3-121980991-T-C.
Other names: c.1109T>C, p.Val370Ala (NM_001178065.2); short protein forms V370A.
Identifiers: ClinVar variation 2928520 (VCV002928520.3), dbSNP rs2473228074, ClinGen allele CA354152609.